The following is an entry in ClinVar:

NM_002900.3(RBP3):c.2317G>A (p.Val773Met)

Gene: RBP3 (retinol binding protein 3; plus strand). Cytogenetic location: 10q11.22.
Variant type: single nucleotide variant.
Coding change: c.2317G>A on transcript NM_002900.3 (MANE Select); coding-DNA position 2317, G replaced by A.
Protein change: p.Val773Met; replaces valine 773 with methionine.
Molecular consequence: missense variant.
Genome position (GRCh38, 1-based): chr10:47,350,801, G>A. VCF-style: chr10-47350801-G-A. GRCh37 (hg19) VCF-style: chr10-48388561-C-T.
Other names: short protein forms V773M.
Identifiers: ClinVar variation 1406891 (VCV001406891.9), dbSNP rs782651156, ClinGen allele CA5487312.

ClinVar aggregate classification (germline): Uncertain significance. Review status: criteria provided, multiple submitters, no conflicts (2 of 4 stars). 2 submissions from 2 submitters: Uncertain significance (2). Last evaluated 2025-10-06.

Allele frequency attached by ClinVar (database versions not stated): gnomAD 0.00001; TOPMed 0.00001; gnomAD exomes 0.00002; ExAC 0.00003.
gnomAD v4.1: 22 of 1,612,944 alleles (0.0014%); highest among the groups gnomAD compares: Admixed American, 0.005%; no homozygotes.

Submissions (2):

Labcorp Genetics (formerly Invitae), Labcorp
Classification: Uncertain significance. Last evaluated: 2025-10-06. Review status: criteria provided, single submitter. Criteria: Invitae Variant Classification Sherloc (09022015). Collection method: clinical testing. Allele origin: germline.
Comment: This sequence change replaces valine, which is neutral and non-polar, with methionine, which is neutral and non-polar, at codon 773 of the RBP3 protein (p.Val773Met). This variant is present in population databases (rs782651156, gnomAD 0.006%). This variant has not been reported in the literature in individuals affected with RBP3-related conditions. ClinVar contains an entry for this variant (Variation ID: 1406891). Invitae Evidence Modeling of protein sequence and biophysical properties (such as structural, functional, and spatial information, amino acid conservation, physicochemical variation, residue mobility, and thermodynamic stability) indicates that this missense variant is not expected to disrupt RBP3 protein function with a negative predictive value of 80%. In summary, the available evidence is currently insufficient to determine the role of this variant in disease. Therefore, it has been classified as a Variant of Uncertain Significance.

Blueprint Genetics
Classification: Uncertain significance. Last evaluated: 2024-04-19. Review status: criteria provided, single submitter. Criteria: ACMG Guidelines, 2015. Collection method: clinical testing. Allele origin: germline.